The following is an entry in ClinVar:

NM_170707.4(LMNA):c.771_772delinsTT (p.Glu257_Gln258delinsAspTer)

Gene: LMNA (lamin A/C; plus strand). Cytogenetic location: 1q22.
Variant type: Indel.
Coding change: c.771_772delinsTT on transcript NM_170707.4 (MANE Select); coding-DNA positions 771 to 772, GC replaced by TT.
Protein change: p.Glu257_Gln258delinsAspTer.
Molecular consequence: nonsense. On other transcripts: missense variant (4).
Genome position (GRCh38, 1-based): chr1:156,134,936-156,134,937, GC replaced by TT. VCF-style: chr1-156134936-GC-TT. GRCh37 (hg19) VCF-style: chr1-156104727-GC-TT.
Other names: c.435_436delinsTT, p.Glu145_Gln146delinsAspTer (NM_001257374.3, NM_001406989.1, NM_001406998.1); c.528_529delinsTT, p.Glu176_Gln177delinsAspTer (NM_001282624.2, NM_001406986.1, NM_001406987.1); c.771_772delinsTT, p.Glu257_Gln258delinsAspTer (NM_001282625.2, NM_001282626.2, NM_001406983.1 and 6 more transcripts); c.474_475delinsTT, p.Glu158_Gln159delinsAspTer (NM_001406988.1); c.213_214delinsTT, p.Glu71_Gln72delinsAspTer (NM_001406990.1, NM_001406993.1, NM_001406995.1 and 4 more transcripts); c.107_108delinsTT, p.Ser36Ile (NM_001406994.1, NM_001406999.1, NM_001407000.1 and 1 more transcripts); short protein forms S36I.
Identifiers: ClinVar variation 2831514 (VCV002831514.3), dbSNP rs2527974791, ClinGen allele CA2739275314.

ClinVar aggregate classification (germline): Pathogenic (1 of 4 stars; one submission).

Conditions:
Charcot-Marie-Tooth disease type 2. Also called: Charcot-Marie-Tooth type 2. Identifiers: Orphanet 64746, MedGen C0270914, MONDO:0018993.

Submission:

Labcorp Genetics (formerly Invitae), Labcorp
Classification: Pathogenic for Charcot-Marie-Tooth disease type 2. Last evaluated: 2023-05-19. Review status: criteria provided, single submitter. Criteria: Invitae Variant Classification Sherloc (09022015). Collection method: clinical testing. Allele origin: germline.
Comment: For these reasons, this variant has been classified as Pathogenic. This variant has not been reported in the literature in individuals affected with LMNA-related conditions. Information on the frequency of this variant in the gnomAD database is not available, as this variant may be reported differently in the database. This sequence change creates a premature translational stop signal (p.Glu257_Gln258delinsAsp*) in the LMNA gene. It is expected to result in an absent or disrupted protein product. Loss-of-function variants in LMNA are known to be pathogenic (PMID: 18585512, 18926329).

Literature cited by the submitters: PubMed 18585512; PubMed 18926329.